The following is an entry in ClinVar:

NM_022482.5(GZF1):c.812C>T (p.Thr271Met)

Gene: GZF1 (GDNF inducible zinc finger protein 1; plus strand). Cytogenetic location: 20p11.21.
Variant type: single nucleotide variant.
Coding change: c.812C>T on transcript NM_022482.5 (MANE Select); coding-DNA position 812, C replaced by T.
Protein change: p.Thr271Met; replaces threonine 271 with methionine.
Molecular consequence: missense variant.
Genome position (GRCh38, 1-based): chr20:23,365,195, C>T. VCF-style: chr20-23365195-C-T. GRCh37 (hg19) VCF-style: chr20-23345832-C-T.
Other names: c.812C>T, p.Thr271Met (NM_001317012.2, NM_001317019.1); short protein forms T271M.
Identifiers: ClinVar variation 1378137 (VCV001378137.6), dbSNP rs766072802, ClinGen allele CA9788578.

ClinVar aggregate classification (germline): Uncertain significance (1 of 4 stars; one submission).

Allele frequency attached by ClinVar (database versions not stated): gnomAD exomes below 0.00001 and 0.00001; ExAC 0.00001; gnomAD 0.00001.

Submission:

Labcorp Genetics (formerly Invitae), Labcorp
Classification: Uncertain significance. Last evaluated: 2021-11-28. Review status: criteria provided, single submitter. Criteria: Invitae Variant Classification Sherloc (09022015). Collection method: clinical testing. Allele origin: germline.
Comment: In summary, the available evidence is currently insufficient to determine the role of this variant in disease. Therefore, it has been classified as a Variant of Uncertain Significance. This sequence change replaces threonine, which is neutral and polar, with methionine, which is neutral and non-polar, at codon 271 of the GZF1 protein (p.Thr271Met). This variant is present in population databases (rs766072802, gnomAD 0.006%). This variant has not been reported in the literature in individuals affected with GZF1-related conditions. Algorithms developed to predict the effect of missense changes on protein structure and function output the following: SIFT: "Not Available"; PolyPhen-2: "Benign"; Align-GVGD: "Not Available". The methionine amino acid residue is found in multiple mammalian species, which suggests that this missense change does not adversely affect protein function.